The following is an entry in ClinVar:

ClinVar aggregate classification (germline): Uncertain significance (1 of 4 stars; one submission).

Submission:

GeneDx
Classification: Uncertain significance. Last evaluated: 2024-08-12. Review status: criteria provided, single submitter. Criteria: GeneDx Variant Classification Process June 2021. Collection method: clinical testing. Allele origin: germline. Affected: yes.
Comment: Not observed at significant frequency in large population cohorts (gnomAD); In silico analysis supports that this missense variant has a deleterious effect on protein structure/function; Has not been previously published as pathogenic or benign to our knowledge

NM_015030.2(FRYL):c.7009G>C (p.Gly2337Arg)

Gene: FRYL (FRY like transcription coactivator; minus strand). Cytogenetic location: 4p11.
Variant type: single nucleotide variant.
Coding change: c.7009G>C on transcript NM_015030.2 (MANE Select); coding-DNA position 7009, G replaced by C.
Protein change: p.Gly2337Arg; replaces glycine 2337 with arginine.
Molecular consequence: missense variant.
Genome position (GRCh38, 1-based): chr4:48,528,231, C>G on the plus strand (G>C on the coding strand, the complement: FRYL is on the minus strand). VCF-style: chr4-48528231-C-G. GRCh37 (hg19) VCF-style: chr4-48530248-C-G.
Other names: short protein forms G2337R.
Identifiers: ClinVar variation 3731167 (VCV003731167.1).